The following is an entry in ClinVar:

NM_003560.4(PLA2G6):c.76G>A (p.Glu26Lys)

Gene: PLA2G6 (phospholipase A2 group VI; minus strand). Cytogenetic location: 22q13.1.
Variant type: single nucleotide variant.
Coding change: c.76G>A on transcript NM_003560.4 (MANE Select); coding-DNA position 76, G replaced by A.
Protein change: p.Glu26Lys; replaces glutamic acid 26 with lysine.
Molecular consequence: missense variant. On other transcripts: 5 prime UTR variant (3).
Genome position (GRCh38, 1-based): chr22:38,169,351, C>T on the plus strand (G>A on the coding strand, the complement: PLA2G6 is on the minus strand). VCF-style: chr22-38169351-C-T. GRCh37 (hg19) VCF-style: chr22-38565358-C-T.
Other names: c.-590G>A (NM_001349867.2, NM_001349869.2); c.-415G>A (NM_001349868.2); c.76G>A, p.Glu26Lys (NM_001004426.3, NM_001199562.3, NM_001349864.2 and 2 more transcripts); short protein forms E26K.
Identifiers: ClinVar variation 2004993 (VCV002004993.1), dbSNP rs2090347074, ClinGen allele CA411521026.

ClinVar aggregate classification (germline): Uncertain significance (1 of 4 stars; one submission).

Conditions:
Infantile neuroaxonal dystrophy (NBIA2A). Also called: NEURODEGENERATION WITH BRAIN IRON ACCUMULATION 2A; SEITELBERGER DISEASE; Infantile neuroaxonal dystrophy 1. Identifiers: Orphanet 35069, MedGen C0270724, MONDO:0024457, OMIM 256600.

Allele frequency attached by ClinVar (database versions not stated): TOPMed below 0.00001; gnomAD 0.00001.
gnomAD v4.1: 1 of 1,614,098 alleles (0.000062%); highest among the groups gnomAD compares: Admixed American, 0.0017%; no homozygotes.

Submission:

Labcorp Genetics (formerly Invitae), Labcorp
Classification: Uncertain significance for Infantile neuroaxonal dystrophy. Last evaluated: 2022-06-12. Review status: criteria provided, single submitter. Criteria: Invitae Variant Classification Sherloc (09022015). Collection method: clinical testing. Allele origin: germline.
Comment: This sequence change replaces glutamic acid, which is acidic and polar, with lysine, which is basic and polar, at codon 26 of the PLA2G6 protein (p.Glu26Lys). This variant is not present in population databases (gnomAD no frequency). This variant has not been reported in the literature in individuals affected with PLA2G6-related conditions. Advanced modeling of protein sequence and biophysical properties (such as structural, functional, and spatial information, amino acid conservation, physicochemical variation, residue mobility, and thermodynamic stability) performed at Invitae indicates that this missense variant is expected to disrupt PLA2G6 protein function. In summary, the available evidence is currently insufficient to determine the role of this variant in disease. Therefore, it has been classified as a Variant of Uncertain Significance.